The following is an entry in ClinVar:

NM_000264.5(PTCH1):c.2266_2272del (p.Leu756fs)

Genes: PTCH1 (patched 1; minus strand), LOC100507346 (uncharacterized LOC100507346; plus strand). Cytogenetic location: 9q22.32.
Variant type: Deletion.
Coding change: c.2266_2272del on transcript NM_000264.5 (MANE Select); coding-DNA positions 2266 to 2272, 7 bases deleted (CTTTTTC; older notation c.2266_2272delCTTTTTC).
Protein change: p.Leu756fs; shifts the reading frame from leucine 756.
Molecular consequence: frameshift variant. On other transcripts: non-coding transcript variant (1).
Genome position (GRCh38, 1-based): chr9:95,467,404-95,467,410, GAAAAAG deleted on the plus strand (CTTTTTC on the coding strand, the reverse complement: PTCH1 is on the minus strand); deleting any 7 consecutive bases within chr9:95,467,404-95,467,413 gives the same sequence; the c. name uses the placement nearest the transcript's 3' end. VCF-style (leftmost placement, unchanged base first): chr9-95467403-AGAAAAAG-A. GRCh37 (hg19) VCF-style: chr9-98229685-AGAAAAAG-A.
Other names: c.2068_2074del, p.Leu690fs (NM_001083602.3); c.2263_2269del, p.Leu755fs (NM_001083603.3); c.1813_1819del, p.Leu605fs (NM_001083604.3, NM_001083605.3, NM_001083606.3 and 1 more transcripts); c.2110_2116del, p.Leu704fs (NM_001354918.2); short protein forms L605fs, L690fs, L704fs, L755fs, L756fs.
Identifiers: ClinVar variation 4535432 (VCV004535432.6).

ClinVar aggregate classification (germline): Pathogenic (1 of 4 stars; one submission).

Submission:

CeGaT Center for Human Genetics Tuebingen
Classification: Pathogenic. Last evaluated: 2025-10-01. Review status: criteria provided, single submitter. Criteria: CeGaT Center For Human Genetics Tuebingen Variant Classification Criteria Version 2. Collection method: clinical testing. Allele origin: germline. Affected: yes. Observed: 1 variant allele.
Comment: PTCH1: PVS1, PM2